The following is an entry in ClinVar:

ClinVar aggregate classification (germline): Uncertain significance (1 of 4 stars; one submission).

Conditions:
Rubinstein-Taybi syndrome (RSTS). Identifiers: Orphanet 783, MedGen C0035934, MONDO:0019188.

Submission:

Labcorp Genetics (formerly Invitae), Labcorp
Classification: Uncertain significance for Rubinstein-Taybi syndrome. Last evaluated: 2025-06-22. Review status: criteria provided, single submitter. Criteria: Invitae Variant Classification Sherloc (09022015). Collection method: clinical testing. Allele origin: germline.
Comment: This sequence change replaces methionine, which is neutral and non-polar, with threonine, which is neutral and polar, at codon 1022 of the CREBBP protein (p.Met1022Thr). This variant is not present in population databases (gnomAD no frequency). This variant has not been reported in the literature in individuals affected with CREBBP-related conditions. Invitae Evidence Modeling of protein sequence and biophysical properties (such as structural, functional, and spatial information, amino acid conservation, physicochemical variation, residue mobility, and thermodynamic stability) indicates that this missense variant is not expected to disrupt CREBBP protein function with a negative predictive value of 95%. In summary, the available evidence is currently insufficient to determine the role of this variant in disease. Therefore, it has been classified as a Variant of Uncertain Significance.

NM_004380.3(CREBBP):c.3065T>C (p.Met1022Thr)

Gene: CREBBP (CREB binding lysine acetyltransferase; minus strand). Cytogenetic location: 16p13.3.
Variant type: single nucleotide variant.
Coding change: c.3065T>C on transcript NM_004380.3 (MANE Select); coding-DNA position 3065, T replaced by C.
Protein change: p.Met1022Thr; replaces methionine 1022 with threonine.
Molecular consequence: missense variant.
Genome position (GRCh38, 1-based): chr16:3,767,905, A>G on the plus strand (T>C on the coding strand, the complement: CREBBP is on the minus strand). VCF-style: chr16-3767905-A-G. GRCh37 (hg19) VCF-style: chr16-3817906-A-G.
Other names: c.2951T>C, p.Met984Thr (NM_001079846.1); short protein forms M984T, M1022T.
Identifiers: ClinVar variation 4700110 (VCV004700110.1).